The following is an entry in ClinVar:

NM_000507.4(FBP1):c.458C>A (p.Ala153Asp)

Gene: FBP1 (fructose-bisphosphatase 1; minus strand). Cytogenetic location: 9q22.32.
Variant type: single nucleotide variant.
Coding change: c.458C>A on transcript NM_000507.4 (MANE Select); coding-DNA position 458, C replaced by A.
Protein change: p.Ala153Asp; replaces alanine 153 with aspartic acid.
Molecular consequence: missense variant.
Genome position (GRCh38, 1-based): chr9:94,610,030, G>T on the plus strand (C>A on the coding strand, the complement: FBP1 is on the minus strand). VCF-style: chr9-94610030-G-T. GRCh37 (hg19) VCF-style: chr9-97372312-G-T.
Other names: p.A153D:GCT>GAT; c.458C>A, p.Ala153Asp (NM_001127628.2); short protein forms A153D.
Identifiers: ClinVar variation 214365 (VCV000214365.2), dbSNP rs863223964, ClinGen allele CA324500.

ClinVar aggregate classification (germline): Uncertain significance (1 of 4 stars; one submission).

gnomAD v4.1: 29 of 1,614,156 alleles (0.0018%); highest among the groups gnomAD compares: Non-Finnish European, 0.0023%; no homozygotes.

Submission:

GeneDx
Classification: Uncertain significance. Last evaluated: 2014-07-03. Review status: criteria provided, single submitter. Criteria: GeneDx Variant Classification (06012015). Collection method: clinical testing. Allele origin: germline. Affected: yes.
Comment: p.Ala153Asp (GCT>GAT): c.458 C>A in exon 4 of the FBP1 gene (NM_000507.3). The A153D variant has not been published as a mutation, nor has it been reported as a benign polymorphism to our knowledge. The A153D variant is a non-conservative amino acid substitution, which is likely to impact secondary protein structure as these residues differ in polarity, charge, size and/or other properties. This substitution occurs at a position that is conserved across species. In silico analysis is inconsistent in its predictions as to whether or not the variant is damaging to the protein structure/function. Therefore, based on the currently available information, it is unclear whether this variant is a pathogenic mutation or a rare benign variant. The variant is found in MITONUC-MITOP panel(s).